The following is an entry in ClinVar:

NM_000179.3(MSH6):c.3747C>T (p.Tyr1249=)

Gene: MSH6 (mutS homolog 6; plus strand). Cytogenetic location: 2p16.3.
Variant type: single nucleotide variant.
Coding change: c.3747C>T on transcript NM_000179.3 (MANE Select); coding-DNA position 3747, C replaced by T.
Protein change: p.Tyr1249=; no amino-acid change (tyrosine 1249 retained).
Molecular consequence: synonymous variant.
Genome position (GRCh38, 1-based): chr2:47,806,304, C>T. VCF-style: chr2-47806304-C-T. GRCh37 (hg19) VCF-style: chr2-48033443-C-T.
Other names: c.3357C>T, p.Tyr1119= (NM_001281492.2); c.2841C>T, p.Tyr947= (NM_001281493.2, NM_001281494.2).
Identifiers: ClinVar variation 378170 (VCV000378170.20), dbSNP rs1057520326, ClinGen allele CA16604208.
Genomic context (GRCh38, chr2:47,806,304, plus strand): 5'-TGCAGTTGTTAAAGAACTTGCTGAGACTATAAAATGTCGTACATTATTTTCAACTCACTA[C>T]CATTCATTAGTAGAAGATTATTCTCAAAATGTTGCTGTGCGCCTAGGACATATGGTATGT-3'
Protein context (NP_000170.1, residues 1239-1259): IKCRTLFSTH[Tyr1249=]HSLVEDYSQN

ClinVar aggregate classification (germline): Benign/Likely benign. Review status: criteria provided, multiple submitters, no conflicts (2 of 4 stars). 5 submissions from 5 submitters: Benign (1); Likely benign (4). Last evaluated 2025-03-04.

Conditions:
Hereditary nonpolyposis colorectal neoplasms. Identifiers: MedGen C0009405, MeSH D003123.
Hereditary cancer-predisposing syndrome. Also called: Hereditary neoplastic syndrome; Hereditary Cancer Syndrome; Neoplastic Syndromes, Hereditary; Tumor predisposition. Identifiers: Orphanet 140162, MedGen C0027672, MeSH D009386, MONDO:0015356.
Lynch syndrome 5 (LYNCH5). Also called: Colorectal cancer, hereditary nonpolyposis, type 5; Hereditary non-polyposis colorectal cancer, type 5. Identifiers: Orphanet 144, MedGen C1833477, MONDO:0013710, OMIM 614350. Disease mechanism: loss of function.

Allele frequency attached by ClinVar (database versions not stated): gnomAD exomes below 0.00001.
gnomAD v4.1: 1 of 1,614,034 alleles (0.000062%); highest among the groups gnomAD compares: Non-Finnish European, 0.000085%; no homozygotes.

Submissions (5):

Center for Genomic Medicine, Rigshospitalet, Copenhagen University Hospital
Classification: Likely benign. Last evaluated: 2025-03-04. Review status: criteria provided, single submitter. Criteria: ACMG Guidelines, 2015. Collection method: clinical testing. Allele origin: germline.

Myriad Genetics, Inc.
Classification: Benign for Lynch syndrome 5. Last evaluated: 2025-01-08. Review status: criteria provided, single submitter. Criteria: Myriad Autosomal Dominant, Autosomal Recessive and X-Linked Classification Criteria (2023). Collection method: clinical testing. Allele origin: unknown.
Comment: This variant is considered benign. This variant is a silent/synonymous amino acid change and it is not expected to impact splicing.

Labcorp Genetics (formerly Invitae), Labcorp
Classification: Likely benign for Hereditary nonpolyposis colorectal neoplasms. Last evaluated: 2024-04-17. Review status: criteria provided, single submitter. Criteria: Invitae Variant Classification Sherloc (09022015). Collection method: clinical testing. Allele origin: germline.

GeneDx
Classification: Likely benign. Last evaluated: 2019-03-12. Review status: criteria provided, single submitter. Criteria: GeneDx Variant Classification Process June 2021. Collection method: clinical testing. Allele origin: germline. Affected: yes.
Comment: This variant is associated with the following publications: (PMID: 22495361)

Ambry Genetics
Classification: Likely benign for Hereditary cancer-predisposing syndrome. Last evaluated: 2016-07-29. Review status: criteria provided, single submitter. Criteria: Ambry Variant Classification Scheme 2023. Collection method: clinical testing. Allele origin: germline.